The following is an entry in ClinVar:

NM_003872.3(NRP2):c.1664A>G (p.Tyr555Cys)

Gene: NRP2 (neuropilin 2; plus strand). Cytogenetic location: 2q33.3.
Variant type: single nucleotide variant.
Coding change: c.1664A>G on transcript NM_003872.3 (MANE Select); coding-DNA position 1664, A replaced by G.
Protein change: p.Tyr555Cys; replaces tyrosine 555 with cysteine.
Molecular consequence: missense variant.
Genome position (GRCh38, 1-based): chr2:205,745,768, A>G. VCF-style: chr2-205745768-A-G. GRCh37 (hg19) VCF-style: chr2-206610492-A-G.
Other names: c.1664A>G, p.Tyr555Cys (NM_018534.4, NM_201266.2, NM_201267.2 and 1 more transcripts); short protein forms Y555C.
Identifiers: ClinVar variation 4986513 (VCV004986513.1).

ClinVar aggregate classification (germline): Uncertain significance (1 of 4 stars; one submission).

Conditions:
NRP2-related disorder. Also called: NRP2-related condition.

gnomAD v4.1: 6 of 1,614,098 alleles (0.00037%); highest among the groups gnomAD compares: African/African-American, 0.0067%; no homozygotes.

Submission:

PreventionGenetics, part of Exact Sciences
Classification: Uncertain significance for NRP2-related condition. Last evaluated: 2026-08-10. Review status: criteria provided, single submitter. Criteria: ACMG Guidelines, 2015. Collection method: clinical testing. Allele origin: germline.
Comment: The NRP2 c.1664A>G variant is predicted to result in the amino acid substitution p.Tyr555Cys. To our knowledge, this variant has not been reported in the literature. This variant is reported in 0.0096% of alleles in individuals of Ashkenazi Jewish descent in gnomAD. At this time, the clinical significance of this variant is uncertain due to the absence of conclusive functional and genetic evidence.